The following is an entry in ClinVar:

ClinVar aggregate classification (germline): Uncertain significance. Review status: criteria provided, multiple submitters, no conflicts (2 of 4 stars). 8 submissions from 8 submitters: Uncertain significance (7). 1 of the submissions does not count toward it. Last evaluated 2026-06-30.

Conditions:
POLE-related disorder. Also called: POLE-related condition; POLE-related disorders.
Hereditary cancer-predisposing syndrome. Also called: Hereditary Cancer Syndrome; Tumor predisposition; Hereditary neoplastic syndrome; Neoplastic Syndromes, Hereditary. Identifiers: Orphanet 140162, MedGen C0027672, MeSH D009386, MONDO:0015356.

Allele frequency attached by ClinVar (database versions not stated): ExAC 0.00002; gnomAD exomes 0.00003 and 0.00004; TOPMed 0.00005; gnomAD 0.00006.
gnomAD v4.1: 58 of 1,614,030 alleles (0.0036%); highest among the groups gnomAD compares: Non-Finnish European, 0.0047%; no homozygotes.

Submissions (8):

Women's Health and Genetics/Laboratory Corporation of America, LabCorp
Classification: Uncertain significance. Last evaluated: 2026-06-30. Review status: criteria provided, single submitter. Criteria: LabCorp Variant Classification Summary - May 2015. Collection method: clinical testing. Allele origin: germline.
Comment: Variant summary: POLE c.6262C>T (p.Pro2088Ser) results in a non-conservative amino acid change in the encoded protein sequence. Algorithms developed to predict the effect of missense changes on protein structure and function are either unavailable or do not agree on the potential impact of this missense change. The variant allele was found at a frequency of 3.6e-05 in 251446 control chromosomes, predominantly at a frequency of 7.9e-05 within the Non-Finnish European subpopulation in the gnomAD database. The available data on variant occurrences in the general population are insufficient to allow any conclusion about variant significance. c.6262C>T has been observed in individual(s) affected with POLE-related conditions (Henn_2019). These report(s) do not provide unequivocal conclusions about association of the variant with disease. To our knowledge, no experimental evidence demonstrating an impact on protein function has been reported. The following publication have been ascertained in the context of this evaluation (PMID: 30680046). ClinVar contains an entry for this variant (Variation ID: 240589). Based on the evidence outlined above, the variant was classified as uncertain significance.

Labcorp Genetics (formerly Invitae), Labcorp
Classification: Uncertain significance. Last evaluated: 2026-01-26. Review status: criteria provided, single submitter. Criteria: Invitae Variant Classification Sherloc (09022015). Collection method: clinical testing. Allele origin: germline.
Comment: This sequence change replaces proline, which is neutral and non-polar, with serine, which is neutral and polar, at codon 2088 of the POLE protein (p.Pro2088Ser). This variant is present in population databases (rs749342382, gnomAD 0.009%). This missense change has been observed in individual(s) with colorectal cancer (PMID: 30680046). ClinVar contains an entry for this variant (Variation ID: 240589). Invitae Evidence Modeling of protein sequence and biophysical properties (such as structural, functional, and spatial information, amino acid conservation, physicochemical variation, residue mobility, and thermodynamic stability) indicates that this missense variant is not expected to disrupt POLE protein function with a negative predictive value of 80%. In summary, the available evidence is currently insufficient to determine the role of this variant in disease. Therefore, it has been classified as a Variant of Uncertain Significance.

Center for Genomic Medicine, Rigshospitalet, Copenhagen University Hospital
Classification: Uncertain significance. Last evaluated: 2025-03-04. Review status: criteria provided, single submitter. Criteria: ACMG Guidelines, 2015. Collection method: clinical testing. Allele origin: germline.

Ambry Genetics
Classification: Uncertain significance for Hereditary cancer-predisposing syndrome. Last evaluated: 2024-12-20. Review status: criteria provided, single submitter. Criteria: Ambry Variant Classification Scheme 2023. Collection method: clinical testing. Allele origin: germline.
Comment: The p.P2088S variant (also known as c.6262C>T), located in coding exon 45 of the POLE gene, results from a C to T substitution at nucleotide position 6262. The proline at codon 2088 is replaced by serine, an amino acid with similar properties. This amino acid position is highly conserved in available vertebrate species. In addition, the in silico prediction for this alteration is inconclusive. Based on the available evidence, the clinical significance of this variant remains unclear.

GeneDx
Classification: Uncertain significance. Last evaluated: 2023-10-10. Review status: criteria provided, single submitter. Criteria: GeneDx Variant Classification Process June 2021. Collection method: clinical testing. Allele origin: germline. Affected: yes.
Comment: In silico analysis supports that this missense variant has a deleterious effect on protein structure/function; Observed in individuals with colon cancer (PMID: 30680046); This variant is associated with the following publications: (PMID: 30680046)

Blueprint Genetics
Classification: Uncertain significance. Last evaluated: 2020-08-06. Review status: criteria provided, single submitter. Criteria: ACMG Guidelines, 2015. Collection method: clinical testing. Allele origin: germline.

Laboratory for Molecular Medicine, Mass General Brigham Personalized Medicine
Classification: Uncertain significance. Last evaluated: 2017-02-06. Review status: criteria provided, single submitter. Criteria: LMM Criteria. Collection method: clinical testing. Allele origin: germline. Observed: 1 variant allele.
Comment: The p.Pro2088Ser variant in POLE has not been previously reported in individuals with colorectal cancer, but has been identified in 3/66716 of European chromoso mes by the Exome Aggregation Consortium (ExAC; d bSNP rs749342382). Computational prediction tools and conservation analysis do n ot provide strong support for or against an impact to the protein. In summary, t he clinical significance of the p.Pro2088Ser variant is uncertain.

PreventionGenetics, part of Exact Sciences
Classification: Uncertain significance for POLE-related condition. Last evaluated: 2024-05-23. Review status: no assertion criteria provided. Collection method: clinical testing. Allele origin: germline. Not counted in ClinVar's aggregate classification.
Comment: The POLE c.6262C>T variant is predicted to result in the amino acid substitution p.Pro2088Ser. This variant was reported in one individual with personal and family history of colorectal cancer (Table S4, Henn et al. 2019. PubMed ID: 30680046). This variant is reported in 0.0085% of alleles in individuals of European (Non-Finnish) descent in gnomAD. It is interpreted in ClinVar as uncertain significance. At this time, the clinical significance of this variant is uncertain due to the absence of conclusive functional and genetic evidence.

Literature cited by the submitters: PubMed 30680046 (cited by 3 submitters).

NM_006231.4(POLE):c.6262C>T (p.Pro2088Ser)

Gene: POLE (DNA polymerase epsilon, catalytic subunit; minus strand). Cytogenetic location: 12q24.33.
Variant type: single nucleotide variant.
Coding change: c.6262C>T on transcript NM_006231.4 (MANE Select); coding-DNA position 6262, C replaced by T.
Protein change: p.Pro2088Ser; replaces proline 2088 with serine.
Molecular consequence: missense variant.
Genome position (GRCh38, 1-based): chr12:132,632,383, G>A on the plus strand (C>T on the coding strand, the complement: POLE is on the minus strand). VCF-style: chr12-132632383-G-A. GRCh37 (hg19) VCF-style: chr12-133208969-G-A.
Other names: short protein forms P2088S.
Identifiers: ClinVar variation 240589 (VCV000240589.30), dbSNP rs749342382, ClinGen allele CA6892239.